The following is an entry in ClinVar:

NM_000166.6(GJB1):c.793C>T (p.Arg265Cys)

Gene: GJB1 (gap junction protein beta 1; plus strand). Cytogenetic location: Xq13.1.
Variant type: single nucleotide variant.
Coding change: c.793C>T on transcript NM_000166.6 (MANE Select); coding-DNA position 793, C replaced by T.
Protein change: p.Arg265Cys; replaces arginine 265 with cysteine.
Molecular consequence: missense variant.
Genome position (GRCh38, 1-based): chrX:71,224,500, C>T. VCF-style: chrX-71224500-C-T. GRCh37 (hg19) VCF-style: chrX-70444350-C-T.
Other names: c.793C>T, p.Arg265Cys (NM_001097642.3); short protein forms R265C.
Identifiers: ClinVar variation 804722 (VCV000804722.8), dbSNP rs1324941945, ClinGen allele CA413504163.

ClinVar aggregate classification (germline): Uncertain significance. Review status: criteria provided, multiple submitters, no conflicts (2 of 4 stars). 2 submissions from 2 submitters: Uncertain significance (2). Last evaluated 2021-09-02.

Conditions:
Charcot-Marie-Tooth Neuropathy X. Identifiers: MedGen CN118851.

Allele frequency attached by ClinVar (database versions not stated): gnomAD exomes 0.00001.

Submissions (2):

Labcorp Genetics (formerly Invitae), Labcorp
Classification: Uncertain significance for Charcot-Marie-Tooth Neuropathy X. Last evaluated: 2021-09-02. Review status: criteria provided, single submitter. Criteria: Invitae Variant Classification Sherloc (09022015). Collection method: clinical testing. Allele origin: germline.
Comment: This sequence change replaces arginine with cysteine at codon 265 of the GJB1 protein (p.Arg265Cys). The arginine residue is highly conserved and there is a large physicochemical difference between arginine and cysteine. This variant is not present in population databases (ExAC no frequency). This variant has not been reported in the literature in individuals affected with GJB1-related conditions. Algorithms developed to predict the effect of missense changes on protein structure and function are either unavailable or do not agree on the potential impact of this missense change (SIFT: "Deleterious"; PolyPhen-2: "Possibly Damaging"; Align-GVGD: "Class C0"). In summary, the available evidence is currently insufficient to determine the role of this variant in disease. Therefore, it has been classified as a Variant of Uncertain Significance.

Athena Diagnostics
Classification: Uncertain significance. Last evaluated: 2018-11-27. Review status: criteria provided, single submitter. Criteria: Athena Diagnostics Criteria. Collection method: clinical testing. Allele origin: germline.